The following is an entry in ClinVar:

NM_139318.5(KCNH5):c.2749C>T (p.Leu917Phe)

Gene: KCNH5 (potassium voltage-gated channel subfamily H member 5; minus strand). Cytogenetic location: 14q23.2.
Variant type: single nucleotide variant.
Coding change: c.2749C>T on transcript NM_139318.5 (MANE Select); coding-DNA position 2749, C replaced by T.
Protein change: p.Leu917Phe; replaces leucine 917 with phenylalanine.
Molecular consequence: missense variant. On other transcripts: 3 prime UTR variant (1).
Genome position (GRCh38, 1-based): chr14:62,707,726, G>A on the plus strand (C>T on the coding strand, the complement: KCNH5 is on the minus strand). VCF-style: chr14-62707726-G-A. GRCh37 (hg19) VCF-style: chr14-63174444-G-A.
Other names: c.*716C>T (NM_172375.3); short protein forms L917F.
Identifiers: ClinVar variation 2428026 (VCV002428026.6), dbSNP rs1454106227, ClinGen allele CA390099914.

ClinVar aggregate classification (germline): Uncertain significance (1 of 4 stars; one submission).

Conditions:
Early-infantile DEE. Also called: Early infantile epileptic encephalopathy; Early infantile epileptic encephalopathy with suppression bursts; Ohtahara syndrome. Identifiers: Orphanet 1934, MedGen C0393706, MONDO:0800491.

Allele frequency attached by ClinVar (database versions not stated): TOPMed 0.00001.

Submission:

Labcorp Genetics (formerly Invitae), Labcorp
Classification: Uncertain significance for Early-infantile DEE. Last evaluated: 2022-09-19. Review status: criteria provided, single submitter. Criteria: Invitae Variant Classification Sherloc (09022015). Collection method: clinical testing. Allele origin: germline.
Comment: This sequence change replaces leucine, which is neutral and non-polar, with phenylalanine, which is neutral and non-polar, at codon 917 of the KCNH5 protein (p.Leu917Phe). This variant is not present in population databases (gnomAD no frequency). In summary, the available evidence is currently insufficient to determine the role of this variant in disease. Therefore, it has been classified as a Variant of Uncertain Significance. Advanced modeling of protein sequence and biophysical properties (such as structural, functional, and spatial information, amino acid conservation, physicochemical variation, residue mobility, and thermodynamic stability) performed at Invitae indicates that this missense variant is not expected to disrupt KCNH5 protein function. This variant has not been reported in the literature in individuals affected with KCNH5-related conditions.